The following is an entry in ClinVar:

NM_015102.5(NPHP4):c.3766C>T (p.Gln1256Ter)

Gene: NPHP4 (nephrocystin 4; minus strand). Cytogenetic location: 1p36.31.
Variant type: single nucleotide variant.
Coding change: c.3766C>T on transcript NM_015102.5 (MANE Select); coding-DNA position 3766, C replaced by T.
Protein change: p.Gln1256Ter; replaces glutamine 1256 with a stop codon.
Molecular consequence: nonsense. On other transcripts: non-coding transcript variant (1).
Genome position (GRCh38, 1-based): chr1:5,865,152, G>A on the plus strand (C>T on the coding strand, the complement: NPHP4 is on the minus strand). VCF-style: chr1-5865152-G-A. GRCh37 (hg19) VCF-style: chr1-5925212-G-A.
Other names: c.2227C>T, p.Gln743Ter (NM_001291593.2); c.2230C>T, p.Gln744Ter (NM_001291594.2); short protein forms Q744*, Q1256*, Q743*.
Identifiers: ClinVar variation 829828 (VCV000829828.11), dbSNP rs775612958, ClinGen allele CA553477.
Genomic context (GRCh38, chr1:5,865,152, plus strand): 5'-GAGGCCGTACCTTCAGCTCCTGGGGATGAGAGGTGAAAGCTCTCACTTTCCTCACTGTCT[G>A]TGTCCCCCGAAGGACAAGGGACAGGCGGGTCAGCTGGCCTGCGACGCAGGAGACATCCAC-3'

ClinVar aggregate classification (germline): Pathogenic. Review status: criteria provided, single submitter (1 of 4 stars). 3 submissions from 3 submitters: Pathogenic (1). 2 of the submissions do not count toward it. Last evaluated 2022-02-10.

Conditions:
Nephronophthisis. Also called: Juvenile Nephronophthisis. Identifiers: Orphanet 655, MedGen C0687120, MONDO:0019005, HP:0000090.
Nephronophthisis 4 (NPHP4). Also called: NEPHRONOPHTHISIS 4, JUVENILE. Identifiers: Orphanet 655, MedGen C1847013, MONDO:0011752, OMIM 606966.

Allele frequency attached by ClinVar (database versions not stated): gnomAD exomes below 0.00001 and 0.00001; ExAC 0.00001; gnomAD 0.00001; TOPMed 0.00001.
gnomAD v4.1: 4 of 1,613,562 alleles (0.00025%); highest among the groups gnomAD compares: Non-Finnish European, 0.00034%; no homozygotes.

Submissions (3):

Labcorp Genetics (formerly Invitae), Labcorp
Classification: Pathogenic for Nephronophthisis. Last evaluated: 2022-02-10. Review status: criteria provided, single submitter. Criteria: Invitae Variant Classification Sherloc (09022015). Collection method: clinical testing. Allele origin: germline.
Comment: ClinVar contains an entry for this variant (Variation ID: 829828). For these reasons, this variant has been classified as Pathogenic. This sequence change creates a premature translational stop signal (p.Gln1256*) in the NPHP4 gene. It is expected to result in an absent or disrupted protein product. Loss-of-function variants in NPHP4 are known to be pathogenic (PMID: 12205563, 23559409). This variant is present in population databases (rs775612958, gnomAD 0.002%). This premature translational stop signal has been observed in individual(s) with NPHP4-related conditions (PMID: 26489029, 31810733). It has also been observed to segregate with disease in related individuals.

Bioscientia Institut fuer Medizinische Diagnostik GmbH, Sonic Healthcare
Classification: Likely pathogenic for Nephronophthisis 4. Last evaluated: 2019-04-05. Review status: no assertion criteria provided. Collection method: clinical testing. Allele origin: germline. Affected: yes. Not counted in ClinVar's aggregate classification.

Sydney Genome Diagnostics, Children's Hospital Westmead
Classification: Pathogenic for Nephronophthisis. Last evaluated: 2014-05-27. Review status: no assertion criteria provided. Collection method: clinical testing. Allele origin: unknown. Affected: yes. Observed: 1 variant allele, 1 heterozygote. Not counted in ClinVar's aggregate classification.
Comment: This variant creates a premature stop codon p.(Gln1256*), and may result in a null allele due to nonsense-mediated mRNA decay. This variant is considered to be pathogenic.

Literature cited by the submitters: PubMed 12205563 (cited by Labcorp Genetics (formerly Invitae), Labcorp); PubMed 23559409 (cited by Labcorp Genetics (formerly Invitae), Labcorp); PubMed 26489029 (cited by Labcorp Genetics (formerly Invitae), Labcorp); PubMed 31810733 (cited by Labcorp Genetics (formerly Invitae), Labcorp).